The following is an entry in ClinVar:

NM_194454.3(KRIT1):c.-2-15_-2-12del

Gene: KRIT1 (KRIT1 ankyrin repeat containing; minus strand). Cytogenetic location: 7q21.2.
Variant type: Deletion.
Coding change: c.-2-15_-2-12del on transcript NM_194454.3 (MANE Select); 15 bases into the intron before 2 bases upstream of the start codon through 12 bases into the intron before 2 bases upstream of the start codon, 4 bases deleted (ATTT; older notation c.-2-15_-2-12delATTT).
Molecular consequence: intron variant.
Genome position (GRCh38, 1-based): chr7:92,242,149-92,242,152, AAAT deleted on the plus strand (ATTT on the coding strand, the reverse complement: KRIT1 is on the minus strand); deleting any 4 consecutive bases within chr7:92,242,149-92,242,155 gives the same sequence; the c. name uses the placement nearest the transcript's 3' end. VCF-style (leftmost placement, unchanged base first): chr7-92242148-CAAAT-C. GRCh37 (hg19) VCF-style: chr7-91871462-CAAAT-C.
Other names: c.-2-15_-2-12del (NM_001350672.1, NM_001350676.1, NM_001350673.1 and 29 more transcripts); c.-585-15_-585-12del (NM_001350671.1); c.-2-15_-2-12delATTT (NM_194456.1).
Identifiers: ClinVar variation 5023416 (VCV005023416.1).

ClinVar aggregate classification (germline): Uncertain significance (1 of 4 stars; one submission).

Conditions:
Inborn genetic diseases. Identifiers: MedGen C0950123, MeSH D030342.

Submission:

Ambry Genetics
Classification: Uncertain significance for Inborn genetic diseases. Last evaluated: 2026-07-20. Review status: criteria provided, single submitter. Criteria: Ambry Variant Classification Scheme 2023. Collection method: clinical testing. Allele origin: germline.
Comment: The c.-2-15_-2-12delATTT alteration is located in the 5' untranslated region (5'UTR) of the KRIT1 gene. This alteration consists of a deletion of 4 nucleotides upstream from the first translated codon. Based on data from gnomAD, this variant has an overall frequency of 0.003% (1/31082) total alleles studied. The highest observed frequency was 0.007% (1/15272) of European (non-Finnish) alleles. These nucleotide positions are not well conserved in available vertebrate species. In silico splice site analysis predicts that this alteration may result in the creation or strengthening of a novel splice acceptor site. Based on insufficient or conflicting evidence, the clinical significance of this alteration remains unclear.